The following is an entry in ClinVar:

ClinVar aggregate classification (germline): Uncertain significance (1 of 4 stars; one submission).

gnomAD v4.1: 1 of 1,613,134 alleles (0.000062%); no homozygotes.

Submission:

Labcorp Genetics (formerly Invitae), Labcorp
Classification: Uncertain significance. Last evaluated: 2025-04-05. Review status: criteria provided, single submitter. Criteria: Invitae Variant Classification Sherloc (09022015). Collection method: clinical testing. Allele origin: germline.
Comment: This sequence change falls in intron 3 of the ARHGEF10 gene. It does not directly change the encoded amino acid sequence of the ARHGEF10 protein. It affects a nucleotide within the consensus splice site. This variant is not present in population databases (gnomAD no frequency). This variant has not been reported in the literature in individuals affected with ARHGEF10-related conditions. Variants that disrupt the consensus splice site are a relatively common cause of aberrant splicing (PMID: 17576681, 9536098). Algorithms developed to predict the effect of sequence changes on RNA splicing suggest that this variant is not likely to affect RNA splicing. In summary, the available evidence is currently insufficient to determine the role of this variant in disease. Therefore, it has been classified as a Variant of Uncertain Significance.

Literature cited by the submitters: PubMed 17576681; PubMed 9536098.

NM_014629.4(ARHGEF10):c.193+3G>T

Gene: ARHGEF10 (Rho guanine nucleotide exchange factor 10; plus strand). Cytogenetic location: 8p23.3.
Variant type: single nucleotide variant.
Coding change: c.193+3G>T on transcript NM_014629.4 (MANE Select); 3 bases into the intron after coding-DNA position 193, G replaced by T.
Molecular consequence: intron variant.
Genome position (GRCh38, 1-based): chr8:1,858,118, G>T. VCF-style: chr8-1858118-G-T. GRCh37 (hg19) VCF-style: chr8-1806284-G-T.
Other names: c.193+3G>T (NM_001438092.1, NM_001438091.1, NM_001308152.2 and 3 more transcripts).
Identifiers: ClinVar variation 4776553 (VCV004776553.1).
Genomic context (GRCh38, chr8:1,858,118, plus strand): 5'-GCCCCATCCGCCCCTGAGACAGGAGGTGCTGGAGCCAGTGAAGCCCCTGCACCCACAGGT[G>T]AGTTTCCAGGAGGGTCCCCAGGTGAGTCCCCAGGTGGGTCCCCAGGTGAGTCCCCAGGTG-3'